The following is an entry in ClinVar:

ClinVar aggregate classification (germline): Conflicting classifications of pathogenicity. Review status: criteria provided, conflicting classifications (1 of 4 stars). 2 submissions from 2 submitters: Uncertain significance (1); Likely benign (1). Last evaluated 2025-11-03.

Conditions:
Kabuki syndrome. Also called: NIIKAWA-KUROKI SYNDROME; Kabuki make-up syndrome. Identifiers: Orphanet 2322, MedGen C0796004, MONDO:0016512.

Allele frequency attached by ClinVar (database versions not stated): gnomAD exomes 0.00002.

Submissions (2):

Labcorp Genetics (formerly Invitae), Labcorp
Classification: Likely benign for Kabuki syndrome. Last evaluated: 2025-11-03. Review status: criteria provided, single submitter. Criteria: Invitae Variant Classification Sherloc (09022015). Collection method: clinical testing. Allele origin: germline.

CeGaT Center for Human Genetics Tuebingen
Classification: Uncertain significance. Last evaluated: 2023-09-01. Review status: criteria provided, single submitter. Criteria: CeGaT Center For Human Genetics Tuebingen Variant Classification Criteria Version 2. Collection method: clinical testing. Allele origin: germline. Affected: yes. Observed: 1 variant allele.
Comment: KMT2D: PM2, BP4

NM_003482.4(KMT2D):c.8564C>T (p.Ala2855Val)

Gene: KMT2D (lysine methyltransferase 2D; minus strand). Cytogenetic location: 12q13.12.
Variant type: single nucleotide variant.
Coding change: c.8564C>T on transcript NM_003482.4 (MANE Select); coding-DNA position 8564, C replaced by T.
Protein change: p.Ala2855Val; replaces alanine 2855 with valine.
Molecular consequence: missense variant.
Genome position (GRCh38, 1-based): chr12:49,038,792, G>A on the plus strand (C>T on the coding strand, the complement: KMT2D is on the minus strand). VCF-style: chr12-49038792-G-A. GRCh37 (hg19) VCF-style: chr12-49432575-G-A.
Other names: short protein forms A2855V.
Identifiers: ClinVar variation 2642953 (VCV002642953.27), dbSNP rs1285381948, ClinGen allele CA384741774.